The following is an entry in ClinVar:

NM_007272.3(CTRC):c.620G>A (p.Gly207Asp)

Gene: CTRC (chymotrypsin C; plus strand). Cytogenetic location: 1p36.21.
Variant type: single nucleotide variant.
Coding change: c.620G>A on transcript NM_007272.3 (MANE Select); coding-DNA position 620, G replaced by A.
Protein change: p.Gly207Asp; replaces glycine 207 with aspartic acid.
Molecular consequence: missense variant.
Genome position (GRCh38, 1-based): chr1:15,444,732, G>A. VCF-style: chr1-15444732-G-A. GRCh37 (hg19) VCF-style: chr1-15771227-G-A.
Other names: short protein forms G207D.
Identifiers: ClinVar variation 3270185 (VCV003270185.1).
Genomic context (GRCh38, chr1:15,444,732, plus strand): 5'-CCAGGATTGACTGGTGGGGCTTCAGGGTGAAGAAAACCATGGTGTGCGCTGGGGGCGATG[G>A]CGTCATCTCAGCCTGCAATGTGAGTGGCTAGGTTCTGCACCTTGTCCCTACTCCAAGTGG-3'
Protein context (NP_009203.2, residues 197-217): KKTMVCAGGD[Gly207Asp]VISACNGDSG

ClinVar aggregate classification (germline): Uncertain significance (1 of 4 stars; one submission).

Conditions:
Hereditary pancreatitis (PCTT). Also called: Hereditary chronic pancreatitis; PRSS1-Related Hereditary Pancreatitis. Identifiers: Orphanet 676, MedGen C0238339, MONDO:0008185, OMIM 167800.

gnomAD v4.1: 14 of 1,614,244 alleles (0.00087%); highest among the groups gnomAD compares: Non-Finnish European, 0.0012%; no homozygotes.

Submission:

Ambry Genetics
Classification: Uncertain significance for Hereditary pancreatitis. Last evaluated: 2024-04-17. Review status: criteria provided, single submitter. Criteria: Ambry Variant Classification Scheme 2023. Collection method: clinical testing. Allele origin: germline.
Comment: The p.G207D variant (also known as c.620G>A), located in coding exon 6 of the CTRC gene, results from a G to A substitution at nucleotide position 620. The glycine at codon 207 is replaced by aspartic acid, an amino acid with similar properties. This amino acid position is conserved. In addition, this alteration is predicted to be deleterious by in silico analysis. Based on the available evidence, the clinical significance of this variant remains unclear.